The following is an entry in ClinVar:

NM_020911.2(PLXNA4):c.4837G>T (p.Val1613Phe)

Gene: PLXNA4 (plexin A4; minus strand). Cytogenetic location: 7q32.3.
Variant type: single nucleotide variant.
Coding change: c.4837G>T on transcript NM_020911.2 (MANE Select); coding-DNA position 4837, G replaced by T.
Protein change: p.Val1613Phe; replaces valine 1613 with phenylalanine.
Molecular consequence: missense variant.
Genome position (GRCh38, 1-based): chr7:132,147,927, C>A on the plus strand (G>T on the coding strand, the complement: PLXNA4 is on the minus strand). VCF-style: chr7-132147927-C-A. GRCh37 (hg19) VCF-style: chr7-131832686-C-A.
Other names: c.4837G>T, p.Val1613Phe (NM_001393897.1); short protein forms V1613F.
Identifiers: ClinVar variation 3355884 (VCV003355884.1).

ClinVar aggregate classification (germline): Uncertain significance (0 of 4 stars; one submission).

Conditions:
PLXNA4-related disorder. Also called: PLXNA4-related condition.

gnomAD v4.1: 31 of 1,613,970 alleles (0.0019%); highest among the groups gnomAD compares: Non-Finnish European, 0.0025%; no homozygotes.

Submission:

PreventionGenetics, part of Exact Sciences
Classification: Uncertain significance for PLXNA4-related condition. Last evaluated: 2024-08-06. Review status: no assertion criteria provided. Collection method: clinical testing. Allele origin: germline.
Comment: The PLXNA4 c.4837G>T variant is predicted to result in the amino acid substitution p.Val1613Phe. To our knowledge, this variant has not been reported in the literature. This variant is reported in 0.0018% of alleles in individuals of European (Non-Finnish) descent in gnomAD. At this time, the clinical significance of this variant is uncertain due to the absence of conclusive functional and genetic evidence.